The following is an entry in ClinVar:

NM_000465.4(BARD1):c.-2C>A

Gene: BARD1 (BRCA1 associated RING domain 1; minus strand). Cytogenetic location: 2q35.
Variant type: single nucleotide variant.
Coding change: c.-2C>A on transcript NM_000465.4 (MANE Select); 2 bases upstream of the start codon, C replaced by A.
Molecular consequence: 5 prime UTR variant. On other transcripts: non-coding transcript variant (3).
Genome position (GRCh38, 1-based): chr2:214,809,571, G>T on the plus strand (C>A on the coding strand, the complement: BARD1 is on the minus strand). VCF-style: chr2-214809571-G-T. GRCh37 (hg19) VCF-style: chr2-215674295-G-T.
Other names: c.-2C>A (NM_001282543.2, NM_001282545.2, NM_001282548.2 and 1 more transcripts).
Identifiers: ClinVar variation 822527 (VCV000822527.6), dbSNP rs876659743, ClinGen allele CA915941678.

ClinVar aggregate classification (germline): Uncertain significance (1 of 4 stars; one submission).

Conditions:
Hereditary cancer-predisposing syndrome. Also called: Tumor predisposition; Hereditary Cancer Syndrome; Neoplastic Syndromes, Hereditary; Hereditary neoplastic syndrome. Identifiers: Orphanet 140162, MedGen C0027672, MeSH D009386, MONDO:0015356.

gnomAD v4.1: 6 of 1,545,910 alleles (0.00039%); highest among the groups gnomAD compares: South Asian, 0.0012%; 1 homozygote.

Submission:

Ambry Genetics
Classification: Uncertain significance for Hereditary cancer-predisposing syndrome. Last evaluated: 2025-09-03. Review status: criteria provided, single submitter. Criteria: Ambry Variant Classification Scheme 2023. Collection method: clinical testing. Allele origin: germline.
Comment: The c.-2C>A variant is located in the 5' untranslated region (5&rsquo; UTR) of the BARD1 gene. This variant results from a C to A substitution 2 bases upstream from the first translated codon. This nucleotide position is not well conserved in available vertebrate species. Based on the available evidence, the clinical significance of this variant remains unclear.